The following is an entry in ClinVar:

NM_005591.4(MRE11):c.1534A>G (p.Thr512Ala)

Gene: MRE11 (MRE11 double strand break repair nuclease; minus strand). Cytogenetic location: 11q21.
Variant type: single nucleotide variant.
Coding change: c.1534A>G on transcript NM_005591.4 (MANE Select); coding-DNA position 1534, A replaced by G.
Protein change: p.Thr512Ala; replaces threonine 512 with alanine.
Molecular consequence: missense variant.
Genome position (GRCh38, 1-based): chr11:94,456,305, T>C on the plus strand (A>G on the coding strand, the complement: MRE11 is on the minus strand). VCF-style: chr11-94456305-T-C. GRCh37 (hg19) VCF-style: chr11-94189471-T-C.
Other names: c.1534A>G, p.Thr512Ala (NM_001330347.2, NM_005590.4); short protein forms T512A.
Identifiers: ClinVar variation 1799739 (VCV001799739.2), dbSNP rs745897541, ClinGen allele CA6235047.

ClinVar aggregate classification (germline): Uncertain significance (1 of 4 stars; one submission).

Conditions:
Hereditary cancer-predisposing syndrome. Also called: Neoplastic Syndromes, Hereditary; Tumor predisposition; Hereditary Cancer Syndrome; Hereditary neoplastic syndrome. Identifiers: Orphanet 140162, MedGen C0027672, MeSH D009386, MONDO:0015356.

Allele frequency attached by ClinVar (database versions not stated): gnomAD 0.00001; ExAC 0.00003.
gnomAD v4.1: 6 of 1,613,596 alleles (0.00037%); highest among the groups gnomAD compares: African/African-American, 0.0013%; no homozygotes.

Submission:

Ambry Genetics
Classification: Uncertain significance for Hereditary cancer-predisposing syndrome. Last evaluated: 2021-07-05. Review status: criteria provided, single submitter. Criteria: Ambry Variant Classification Scheme 2023. Collection method: clinical testing. Allele origin: germline.
Comment: The p.T512A variant (also known as c.1534A>G), located in coding exon 13 of the MRE11A gene, results from an A to G substitution at nucleotide position 1534. The threonine at codon 512 is replaced by alanine, an amino acid with similar properties. This amino acid position is conserved. In addition, this alteration is predicted to be tolerated by in silico analysis. Since supporting evidence is limited at this time, the clinical significance of this alteration remains unclear.